The following is an entry in ClinVar:

NM_005219.5(DIAPH1):c.3027C>T (p.Asp1009=)

Gene: DIAPH1 (diaphanous related formin 1; minus strand). Cytogenetic location: 5q31.3.
Variant type: single nucleotide variant.
Coding change: c.3027C>T on transcript NM_005219.5 (MANE Select); coding-DNA position 3027, C replaced by T.
Protein change: p.Asp1009=; no amino-acid change (aspartic acid 1009 retained).
Molecular consequence: synonymous variant.
Genome position (GRCh38, 1-based): chr5:141,528,574, G>A on the plus strand (C>T on the coding strand, the complement: DIAPH1 is on the minus strand). VCF-style: chr5-141528574-G-A. GRCh37 (hg19) VCF-style: chr5-140908141-G-A.
Other names: c.3000C>T, p.Asp1000= (NM_001079812.3); c.3027C>T, p.Asp1009= (NM_001314007.2).
Identifiers: ClinVar variation 681498 (VCV000681498.7), dbSNP rs555292453, ClinGen allele CA3478906.

ClinVar aggregate classification (germline): Likely benign. Review status: criteria provided, multiple submitters, no conflicts (2 of 4 stars). 3 submissions from 3 submitters: Likely benign (3). Last evaluated 2025-12-01.

Conditions:
Progressive microcephaly-seizures-cortical blindness-developmental delay syndrome. Also called: Seizures, cortical blindness, and microcephaly syndrome. Identifiers: Orphanet 477814, MedGen C5567650, MONDO:0014714, OMIM 616632.
Autosomal dominant nonsyndromic hearing loss 1. Also called: KONIGSMARK SYNDROME; DEAFNESS, AUTOSOMAL DOMINANT 1, WITH OR WITHOUT THROMBOCYTOPENIA. Identifiers: Orphanet 90635, MedGen C1852282, MONDO:0007424, OMIM 124900.

Allele frequency attached by ClinVar (database versions not stated): gnomAD 0.00001 and 0.00003; gnomAD exomes 0.00002 and 0.00003; TOPMed 0.00002; ExAC 0.00004; 1000 Genomes Project 0.00020; 1000 Genomes Project 30x 0.00031.
gnomAD v4.1: 40 of 1,614,192 alleles (0.0025%); highest among the groups gnomAD compares: South Asian, 0.033%; 1 homozygote.

Submissions (3):

Labcorp Genetics (formerly Invitae), Labcorp
Classification: Likely benign for Progressive microcephaly-seizures-cortical blindness-developmental delay syndrome; Autosomal dominant nonsyndromic hearing loss 1. Last evaluated: 2025-12-01. Review status: criteria provided, single submitter. Criteria: Invitae Variant Classification Sherloc (09022015). Collection method: clinical testing. Allele origin: germline.

Blueprint Genetics
Classification: Likely benign. Last evaluated: 2023-12-14. Review status: criteria provided, single submitter. Criteria: ACMG Guidelines, 2015. Collection method: clinical testing. Allele origin: germline.

GeneDx
Classification: Likely benign. Last evaluated: 2018-04-16. Review status: criteria provided, single submitter. Criteria: GeneDx Variant Classification (06012015). Collection method: clinical testing. Allele origin: germline. Affected: yes.
Comment: This variant is considered likely benign or benign based on one or more of the following criteria: it is a conservative change, it occurs at a poorly conserved position in the protein, it is predicted to be benign by multiple in silico algorithms, and/or has population frequency not consistent with disease.